The following is an entry in ClinVar:

ClinVar aggregate classification (germline): Uncertain significance. Review status: criteria provided, multiple submitters, no conflicts (2 of 4 stars). 2 submissions from 2 submitters: Uncertain significance (2). Last evaluated 2025-08-12.

Conditions:
Familial melanoma. Also called: Hereditary melanoma; Hereditary cutaneous melanoma. Identifiers: Orphanet 618, MedGen C1512419, MONDO:0018961.
Hereditary cancer-predisposing syndrome. Also called: Neoplastic Syndromes, Hereditary; Tumor predisposition; Hereditary Cancer Syndrome; Hereditary neoplastic syndrome. Identifiers: Orphanet 140162, MedGen C0027672, MeSH D009386, MONDO:0015356.

Allele frequency attached by ClinVar (database versions not stated): gnomAD exomes below 0.00001.
gnomAD v4.1: 2 of 1,614,208 alleles (0.00012%); highest among the groups gnomAD compares: East Asian, 0.0022%; no homozygotes.

Submissions (2):

Ambry Genetics
Classification: Uncertain significance for Hereditary cancer-predisposing syndrome. Last evaluated: 2025-08-12. Review status: criteria provided, single submitter. Criteria: Ambry Variant Classification Scheme 2023. Collection method: clinical testing. Allele origin: germline.
Comment: The p.R240* variant (also known as c.718C>T), located in coding exon 6 of the CDK4 gene, results from a C to T substitution at nucleotide position 718. This changes the amino acid from an arginine to a stop codon within coding exon 6. This alteration is expected to result in protein truncation or nonsense-mediated mRNA decay. However, loss of function of CDK4 has not been established as a mechanism of disease. Based on the available evidence, the clinical significance of this variant remains unclear.

Labcorp Genetics (formerly Invitae), Labcorp
Classification: Uncertain significance for Familial melanoma. Last evaluated: 2023-02-04. Review status: criteria provided, single submitter. Criteria: Invitae Variant Classification Sherloc (09022015). Collection method: clinical testing. Allele origin: germline.
Comment: In summary, the available evidence is currently insufficient to determine the role of this variant in disease. Therefore, it has been classified as a Variant of Uncertain Significance. ClinVar contains an entry for this variant (Variation ID: 412504). This variant has not been reported in the literature in individuals affected with CDK4-related conditions. This variant is present in population databases (no rsID available, gnomAD 0.006%). This sequence change creates a premature translational stop signal (p.Arg240*) in the CDK4 gene. It is expected to result in an absent or disrupted protein product. However, the current clinical and genetic evidence is not sufficient to establish whether loss-of-function variants in CDK4 cause disease.

NM_000075.4(CDK4):c.718C>T (p.Arg240Ter)

Genes: TSPAN31 (tetraspanin 31; plus strand), CDK4 (cyclin dependent kinase 4; minus strand). Cytogenetic location: 12q14.1.
Variant type: single nucleotide variant.
Coding change: c.718C>T on transcript NM_000075.4 (MANE Select); coding-DNA position 718, C replaced by T.
Protein change: p.Arg240Ter; replaces arginine 240 with a stop codon.
Molecular consequence: nonsense. On other transcripts: 3 prime UTR variant (3).
Genome position (GRCh38, 1-based): chr12:57,749,283, G>A on the plus strand (C>T on the coding strand, the complement: CDK4 is on the minus strand). VCF-style: chr12-57749283-G-A. GRCh37 (hg19) VCF-style: chr12-58143066-G-A.
Other names: c.*1993G>A (NM_001330168.2, NM_001330169.2, NM_005981.5); short protein forms R240*.
Identifiers: ClinVar variation 412504 (VCV000412504.11), dbSNP rs786203856, ClinGen allele CA16613848.
Genomic context (GRCh38, chr12:57,749,283, plus strand): 5'-CCGACTGCACTGGGCGGGGCCCTCTGGGGGGAAAGGCTCCACGGGGCAGGGATACATCTC[G>A]AGGCCAGTCATCCTCTGGAGGCAGCCCAATCAGGCTGTGGGGGACAGGAGAACTCTGGTC-3'